The following is an entry in ClinVar:

ClinVar aggregate classification (germline): Uncertain significance. Review status: criteria provided, single submitter (1 of 4 stars). 2 submissions from 2 submitters: Uncertain significance (1). 1 of the submissions does not count toward it. Last evaluated 2024-10-04.

Conditions:
TRPS1-related disorder. Also called: TRPS1-related condition.
Inborn genetic diseases. Identifiers: MedGen C0950123, MeSH D030342.

Allele frequency attached by ClinVar (database versions not stated): TOPMed below 0.00001; gnomAD 0.00001.
gnomAD v4.1: 1 of 1,613,878 alleles (0.000062%); highest among the groups gnomAD compares: African/African-American, 0.0013%; no homozygotes.

Submissions (2):

Ambry Genetics
Classification: Uncertain significance for Inborn genetic diseases. Last evaluated: 2024-10-04. Review status: criteria provided, single submitter. Criteria: Ambry Variant Classification Scheme 2023. Collection method: clinical testing. Allele origin: germline.

PreventionGenetics, part of Exact Sciences
Classification: Uncertain significance for TRPS1-related condition. Last evaluated: 2023-11-28. Review status: no assertion criteria provided. Collection method: clinical testing. Allele origin: germline. Not counted in ClinVar's aggregate classification.
Comment: The TRPS1 c.3635T>G variant is predicted to result in the amino acid substitution p.Val1212Gly. To our knowledge, this variant has not been reported in the literature or in a large population database, indicating this variant is rare. At this time, the clinical significance of this variant is uncertain due to the absence of conclusive functional and genetic evidence.

NM_014112.5(TRPS1):c.3635T>G (p.Val1212Gly)

Gene: TRPS1 (transcriptional repressor GATA binding 1; minus strand). Cytogenetic location: 8q23.3.
Variant type: single nucleotide variant.
Coding change: c.3635T>G on transcript NM_014112.5 (MANE Select); coding-DNA position 3635, T replaced by G.
Protein change: p.Val1212Gly; replaces valine 1212 with glycine.
Molecular consequence: missense variant.
Genome position (GRCh38, 1-based): chr8:115,414,273, A>C on the plus strand (T>G on the coding strand, the complement: TRPS1 is on the minus strand). VCF-style: chr8-115414273-A-C. GRCh37 (hg19) VCF-style: chr8-116426501-A-C.
Other names: c.3608T>G, p.Val1203Gly (NM_001282902.3); c.3614T>G, p.Val1205Gly (NM_001282903.3); c.3596T>G, p.Val1199Gly (NM_001330599.2); c.3635T>G (NM_014112.2); short protein forms V1199G, V1203G, V1205G, V1212G.
Identifiers: ClinVar variation 3030176 (VCV003030176.3), dbSNP rs1812858015, ClinGen allele CA372062327.